The following is an entry in ClinVar:

ClinVar aggregate classification (germline): Uncertain significance (1 of 4 stars; one submission).

Submission:

Labcorp Genetics (formerly Invitae), Labcorp
Classification: Uncertain significance. Last evaluated: 2021-12-20. Review status: criteria provided, single submitter. Criteria: Invitae Variant Classification Sherloc (09022015). Collection method: clinical testing. Allele origin: germline.
Comment: Experimental studies and prediction algorithms are not available or were not evaluated, and the functional significance of this variant is currently unknown. In summary, the available evidence is currently insufficient to determine the role of this variant in disease. Therefore, it has been classified as a Variant of Uncertain Significance. This variant has not been reported in the literature in individuals affected with TNNT3-related conditions. This variant is not present in population databases (gnomAD no frequency). This variant, c.337_339del, results in the deletion of 1 amino acid(s) of the TNNT3 protein (p.Lys113del), but otherwise preserves the integrity of the reading frame.

NM_006757.4(TNNT3):c.337_339del (p.Lys113del)

Gene: TNNT3 (troponin T3, fast skeletal type; plus strand). Cytogenetic location: 11p15.5.
Variant type: Deletion.
Coding change: c.337_339del on transcript NM_006757.4 (MANE Select); coding-DNA positions 337 to 339, 3 bases deleted (AAG; older notation c.337_339delAAG).
Protein change: p.Lys113del; deletes lysine 113.
Molecular consequence: inframe deletion.
Genome position (GRCh38, 1-based): chr11:1,933,979-1,933,981, AAG deleted; deleting any 3 consecutive bases within chr11:1,933,977-1,933,981 gives the same sequence; the c. name uses the placement nearest the transcript's 3' end. VCF-style (leftmost placement, unchanged base first): chr11-1933976-GAGA-G. GRCh37 (hg19) VCF-style: chr11-1955206-GAGA-G.
Other names: c.313_315del, p.Lys105del (NM_001367845.1, NM_001042780.3, NM_001042782.3 and 2 more transcripts); c.370_372del, p.Lys124del (NM_001367846.1); c.346_348del, p.Lys116del (NM_001367847.1, NM_001363561.2); c.334_336del, p.Lys112del (NM_001367848.1); c.331_333del, p.Lys111del (NM_001042781.3, NM_001367842.1, NM_001367843.1); c.325_327del, p.Lys109del (NM_001367849.1); c.280_282del, p.Lys94del (NM_001367850.1); c.133_135del, p.Lys45del (NM_001367851.1, NM_001367852.1); short protein forms K105del, K109del, K45del, K94del, K124del, K111del, K113del, K116del.
Identifiers: ClinVar variation 1936415 (VCV001936415.5), dbSNP rs1435275589, ClinGen allele CA674379339.
Genomic context (GRCh38, chr11:1,933,976, plus strand): 5'-CTTCTCTGGCTGCAGGAGAAGCGCCGTGCAGAGAGAGCGGAGCAGCAGAGGATTCGTGCA[GAGA>G]AGGAGAGGGAGCGCCAGAACAGACTGGCGGTGAGGGCACCATCCGCACTGCTGCCTCATC-3'